The following is an entry in ClinVar:

ClinVar aggregate classification (germline): Conflicting classifications of pathogenicity. Review status: criteria provided, conflicting classifications (1 of 4 stars). 2 submissions from 2 submitters: Likely risk allele (1); Uncertain significance (1). Last evaluated 2022-10-01.

Conditions:
Maturity-onset diabetes of the young (MODY). Also called: Maturity onset diabetes mellitus in young. Identifiers: Orphanet 552, MedGen C0342276, MONDO:0018911, HP:0004904.

Allele frequency attached by ClinVar (database versions not stated): gnomAD 0.00001; gnomAD exomes 0.00001; TOPMed 0.00002; ExAC 0.00004.
gnomAD v4.1: 17 of 1,613,976 alleles (0.0011%); highest among the groups gnomAD compares: Non-Finnish European, 0.0014%; no homozygotes.

Submissions (2):

Labcorp Genetics (formerly Invitae), Labcorp
Classification: Uncertain significance. Last evaluated: 2022-10-01. Review status: criteria provided, single submitter. Criteria: Invitae Variant Classification Sherloc (09022015). Collection method: clinical testing. Allele origin: germline.
Comment: This sequence change replaces arginine, which is basic and polar, with glutamine, which is neutral and polar, at codon 252 of the HNF1B protein (p.Arg252Gln). In summary, the available evidence is currently insufficient to determine the role of this variant in disease. Therefore, it has been classified as a Variant of Uncertain Significance. Advanced modeling of protein sequence and biophysical properties (such as structural, functional, and spatial information, amino acid conservation, physicochemical variation, residue mobility, and thermodynamic stability) performed at Invitae indicates that this missense variant is not expected to disrupt HNF1B protein function. This missense change has been observed in individual(s) with clinical features of HNF1B-related conditions (Invitae). This variant is present in population databases (rs529294719, gnomAD 0.006%).

Clinical Genomics, Uppaluri K&H Personalized Medicine Clinic
Classification: Likely risk allele for Maturity-onset diabetes of the young. Review status: criteria provided, single submitter. Criteria: K & H Uppaluri Personalized Medicine Clinic Variant Classification & Assertion Criteria_Updated V.1. Collection method: research. Allele origin: unknown. Inheritance: Autosomal dominant inheritance.
Comment: HNF1B gene mutations are associated with early onset diabetes and pancreatic atrophy. It is also associated with multiple renal manifestations including renal cysts, Tubulointerstitial disease, glomerulocystic disease, renal hypoplasia, hypomagnesemia. However no sufficient evidence is found to ascertain the role of this particular variant rs529294719, yet.

Literature cited by the submitters: PubMed 24897035 (cited by Clinical Genomics, Uppaluri K&H Personalized Medicine Clinic); PubMed 25536396 (cited by Clinical Genomics, Uppaluri K&H Personalized Medicine Clinic); PubMed 27615128 (cited by Clinical Genomics, Uppaluri K&H Personalized Medicine Clinic); PubMed 28215227 (cited by Clinical Genomics, Uppaluri K&H Personalized Medicine Clinic); PubMed 33434175 (cited by Clinical Genomics, Uppaluri K&H Personalized Medicine Clinic); PubMed 25741167 (cited by Clinical Genomics, Uppaluri K&H Personalized Medicine Clinic); PubMed 26340261 (cited by Clinical Genomics, Uppaluri K&H Personalized Medicine Clinic); PubMed 19639018 (cited by Clinical Genomics, Uppaluri K&H Personalized Medicine Clinic).

NM_000458.4(HNF1B):c.755G>A (p.Arg252Gln)

Genes: HNF1B (HNF1 homeobox B; minus strand), LOC126862549 (BRD4-independent group 4 enhancer GRCh37_chr17:36093401-36094600; plus strand). Cytogenetic location: 17q12.
Variant type: single nucleotide variant.
Coding change: c.755G>A on transcript NM_000458.4 (MANE Select); coding-DNA position 755, G replaced by A.
Protein change: p.Arg252Gln; replaces arginine 252 with glutamine.
Molecular consequence: missense variant.
Genome position (GRCh38, 1-based): chr17:37,733,611, C>T on the plus strand (G>A on the coding strand, the complement: HNF1B is on the minus strand). VCF-style: chr17-37733611-C-T. GRCh37 (hg19) VCF-style: chr17-36093604-C-T.
Other names: c.677G>A, p.Arg226Gln (NM_001165923.4, NM_001304286.2); c.755G>A, p.Arg252Gln (NM_001411100.1); short protein forms R226Q, R252Q.
Identifiers: ClinVar variation 1801843 (VCV001801843.6), dbSNP rs529294719, ClinGen allele CA8519014.